The following is an entry in ClinVar:

NM_001142800.2(EYS):c.-407C>T

Gene: EYS (eyes shut homolog; minus strand). Cytogenetic location: 6q12.
Variant type: single nucleotide variant.
Coding change: c.-407C>T on transcript NM_001142800.2 (MANE Select); 407 bases upstream of the start codon, C replaced by T.
Molecular consequence: 5 prime UTR variant.
Genome position (GRCh38, 1-based): chr6:65,639,852, G>A on the plus strand (C>T on the coding strand, the complement: EYS is on the minus strand). VCF-style: chr6-65639852-G-A. GRCh37 (hg19) VCF-style: chr6-66349745-G-A.
Other names: c.-407C>T (NM_001142801.2, NM_001292009.2).
Identifiers: ClinVar variation 1433655 (VCV001433655.3), dbSNP rs137924872, ClinGen allele CA567781010.

ClinVar aggregate classification (germline): Uncertain significance (1 of 4 stars; one submission).

Allele frequency attached by ClinVar (database versions not stated): 1000 Genomes Project 30x 0.00016.
gnomAD v4.1: 3 of 152,234 alleles (0.002%); highest among the groups gnomAD compares: East Asian, 0.058%; no homozygotes.

Submission:

Labcorp Genetics (formerly Invitae), Labcorp
Classification: Uncertain significance. Last evaluated: 2022-08-31. Review status: criteria provided, single submitter. Criteria: Invitae Variant Classification Sherloc (09022015). Collection method: clinical testing. Allele origin: germline.
Comment: This variant occurs in a non-coding region of the EYS gene. It does not change the encoded amino acid sequence of the EYS protein. This variant is present in population databases (no rsID available, gnomAD 0.06%). This variant has not been reported in the literature in individuals affected with EYS-related conditions. ClinVar contains an entry for this variant (Variation ID: 1433655). Experimental studies and prediction algorithms are not available or were not evaluated, and the functional significance of this variant is currently unknown. In summary, the available evidence is currently insufficient to determine the role of this variant in disease. Therefore, it has been classified as a Variant of Uncertain Significance.